The following is an entry in ClinVar:

ClinVar aggregate classification (germline): Uncertain significance (1 of 4 stars; one submission).

Conditions:
Deficiency of ferroxidase (ACEP). Also called: Aceruloplasminemia; Ceruloplasmin deficiency; Familial apoceruloplasmin deficiency; Hereditary ceruloplasmin deficiency; NEURODEGENERATION WITH BRAIN IRON ACCUMULATION 10; Deficiency of ceruloplasmin. Identifiers: Orphanet 48818, MedGen C0878682, MONDO:0011426, OMIM 604290, HP:0025498.

Allele frequency attached by ClinVar (database versions not stated): gnomAD exomes below 0.00001 and 0.00001; ExAC 0.00001.
gnomAD v4.1: 1 of 1,613,976 alleles (0.000062%); highest among the groups gnomAD compares: Admixed American, 0.0017%; no homozygotes.

Submission:

Labcorp Genetics (formerly Invitae), Labcorp
Classification: Uncertain significance for Deficiency of ferroxidase. Last evaluated: 2023-08-04. Review status: criteria provided, single submitter. Criteria: Invitae Variant Classification Sherloc (09022015). Collection method: clinical testing. Allele origin: germline.
Comment: This sequence change replaces threonine, which is neutral and polar, with isoleucine, which is neutral and non-polar, at codon 139 of the CP protein (p.Thr139Ile). Advanced modeling of protein sequence and biophysical properties (such as structural, functional, and spatial information, amino acid conservation, physicochemical variation, residue mobility, and thermodynamic stability) performed at Invitae indicates that this missense variant is expected to disrupt CP protein function. ClinVar contains an entry for this variant (Variation ID: 1463403). This variant has not been reported in the literature in individuals affected with CP-related conditions. This variant is present in population databases (rs749950432, gnomAD 0.006%). In summary, the available evidence is currently insufficient to determine the role of this variant in disease. Therefore, it has been classified as a Variant of Uncertain Significance.

NM_000096.4(CP):c.416C>T (p.Thr139Ile)

Gene: CP (ceruloplasmin; minus strand). Cytogenetic location: 3q25.1.
Variant type: single nucleotide variant.
Coding change: c.416C>T on transcript NM_000096.4 (MANE Select); coding-DNA position 416, C replaced by T.
Protein change: p.Thr139Ile; replaces threonine 139 with isoleucine.
Molecular consequence: missense variant. On other transcripts: non-coding transcript variant (1).
Genome position (GRCh38, 1-based): chr3:149,210,358, G>A on the plus strand (C>T on the coding strand, the complement: CP is on the minus strand). VCF-style: chr3-149210358-G-A. GRCh37 (hg19) VCF-style: chr3-148928145-G-A.
Other names: short protein forms T139I.
Identifiers: ClinVar variation 1463403 (VCV001463403.6), dbSNP rs749950432, ClinGen allele CA2661315.
Genomic context (GRCh38, chr3:149,210,358, plus strand): 5'-AACATGTATGTATACTGCTCTCCTGGATATACTTTGTCATCTGCTCTTTGAAAATCTGTG[G>A]TGTTATCAGGGTAGATGGCCCCTAGGAAGCAACATGCAATGAAGGTGCAAAGTGAATGTG-3'
Protein context (NP_000087.2, residues 129-149): EHEGAIYPDN[Thr139Ile]TDFQRADDKV